The following is an entry in ClinVar:

ClinVar aggregate classification (germline): Likely pathogenic (1 of 4 stars; one submission).

Conditions:
Maple syrup urine disease type 1A (MSUD1A). Also called: MSUD type 1A. Identifiers: MedGen C1855369, MONDO:0023691, OMIM 248600.

gnomAD v4.1: 1 of 1,614,056 alleles (0.000062%); highest among the groups gnomAD compares: East Asian, 0.0022%; no homozygotes.

Submission:

Neuberg Centre For Genomic Medicine, NCGM
Classification: Likely pathogenic for Maple syrup urine disease type 1A. Review status: criteria provided, single submitter. Criteria: ACMG Guidelines, 2015. Collection method: clinical testing. Allele origin: germline. Inheritance: Autosomal recessive inheritance. Affected: yes.
Comment: The variant has not been reported previously as a pathogenic variant nor as a benign variant, to our knowledge. This variant is predicted to cause loss of normal protein function through protein truncation. Loss of function variants have been previously reported to be disease causing (Novarino G et al., 2012). For these reasons, this variant has been classified as Likely Pathogenic.

NM_005881.4(BCKDK):c.543+1G>A

Gene: BCKDK (branched chain keto acid dehydrogenase kinase; plus strand). Cytogenetic location: 16p11.2.
Variant type: single nucleotide variant.
Coding change: c.543+1G>A on transcript NM_005881.4 (MANE Select); the canonical splice donor site of the intron after coding-DNA position 543, G replaced by A.
Molecular consequence: splice donor variant.
Genome position (GRCh38, 1-based): chr16:31,110,325, G>A. VCF-style: chr16-31110325-G-A. GRCh37 (hg19) VCF-style: chr16-31121646-G-A.
Other names: c.543+1G>A (NM_001122957.4, NM_001271926.3).
Identifiers: ClinVar variation 4086232 (VCV004086232.1).